The following is an entry in ClinVar:

NM_001100913.3(PACS2):c.1860C>G (p.Asp620Glu)

Gene: PACS2 (phosphofurin acidic cluster sorting protein 2; plus strand). Cytogenetic location: 14q32.33.
Variant type: single nucleotide variant.
Coding change: c.1860C>G on transcript NM_001100913.3 (MANE Select); coding-DNA position 1860, C replaced by G.
Protein change: p.Asp620Glu; replaces aspartic acid 620 with glutamic acid.
Molecular consequence: missense variant.
Genome position (GRCh38, 1-based): chr14:105,384,432, C>G. VCF-style: chr14-105384432-C-G. GRCh37 (hg19) VCF-style: chr14-105850769-C-G.
Other names: c.1623C>G, p.Asp541Glu (NM_001243127.3); c.1848C>G, p.Asp616Glu (NM_015197.4); short protein forms D541E, D616E, D620E.
Identifiers: ClinVar variation 3390173 (VCV003390173.14).

ClinVar aggregate classification (germline): Uncertain significance (1 of 4 stars; one submission).

Submission:

CeGaT Center for Human Genetics Tuebingen
Classification: Uncertain significance. Last evaluated: 2024-11-01. Review status: criteria provided, single submitter. Criteria: CeGaT Center For Human Genetics Tuebingen Variant Classification Criteria Version 2. Collection method: clinical testing. Allele origin: germline. Affected: yes. Observed: 1 variant allele.
Comment: PACS2: PM2, BP4